The following is an entry in ClinVar:

ClinVar aggregate classification (germline): Uncertain significance. Review status: criteria provided, multiple submitters, no conflicts (2 of 4 stars). 2 submissions from 2 submitters: Uncertain significance (2). Last evaluated 2025-01-13.

Conditions:
Erythrocytosis, familial, 3 (ECYT3). Identifiers: Orphanet 247511, MedGen C1853286, MONDO:0012353, OMIM 609820.

Allele frequency attached by ClinVar (database versions not stated): gnomAD exomes below 0.00001; TOPMed 0.00001; gnomAD 0.00002.
gnomAD v4.1: 4 of 1,326,490 alleles (0.0003%); highest among the groups gnomAD compares: Admixed American, 0.012%; no homozygotes.

Submissions (2):

Ambry Genetics
Classification: Uncertain significance. Last evaluated: 2025-01-13. Review status: criteria provided, single submitter. Criteria: Ambry Variant Classification Scheme 2023. Collection method: clinical testing. Allele origin: germline.
Comment: The p.A129V variant (also known as c.386C>T), located in coding exon 1 of the EGLN1 gene, results from a C to T substitution at nucleotide position 386. The alanine at codon 129 is replaced by valine, an amino acid with similar properties. This amino acid position is conserved. In addition, this alteration is predicted to be tolerated by in silico analysis. Since supporting evidence is limited at this time, the clinical significance of this alteration remains unclear.

Labcorp Genetics (formerly Invitae), Labcorp
Classification: Uncertain significance for Erythrocytosis, familial, 3. Last evaluated: 2021-08-09. Review status: criteria provided, single submitter. Criteria: Invitae Variant Classification Sherloc (09022015). Collection method: clinical testing. Allele origin: germline.
Comment: This sequence change replaces alanine with valine at codon 129 of the EGLN1 protein (p.Ala129Val). The alanine residue is weakly conserved and there is a small physicochemical difference between alanine and valine. The frequency data for this variant in the population databases is considered unreliable, as metrics indicate insufficient coverage at this position in the ExAC database. This variant has not been reported in the literature in individuals affected with EGLN1-related conditions. Algorithms developed to predict the effect of missense changes on protein structure and function are either unavailable or do not agree on the potential impact of this missense change (SIFT: "Tolerated"; PolyPhen-2: "Possibly Damaging"; Align-GVGD: "Class C0"). In summary, the available evidence is currently insufficient to determine the role of this variant in disease. Therefore, it has been classified as a Variant of Uncertain Significance.

NM_022051.3(EGLN1):c.386C>T (p.Ala129Val)

Gene: EGLN1 (egl-9 family hypoxia inducible factor 1; minus strand). Cytogenetic location: 1q42.2.
Variant type: single nucleotide variant.
Coding change: c.386C>T on transcript NM_022051.3 (MANE Select); coding-DNA position 386, C replaced by T.
Protein change: p.Ala129Val; replaces alanine 129 with valine.
Molecular consequence: missense variant.
Genome position (GRCh38, 1-based): chr1:231,421,503, G>A on the plus strand (C>T on the coding strand, the complement: EGLN1 is on the minus strand). VCF-style: chr1-231421503-G-A. GRCh37 (hg19) VCF-style: chr1-231557249-G-A.
Other names: c.386C>T, p.Ala129Val (NM_001377261.1, NM_001377260.1); short protein forms A129V.
Identifiers: ClinVar variation 1397832 (VCV001397832.9), dbSNP rs1380554913, ClinGen allele CA345237317.